The following is an entry in ClinVar:

NM_080680.3(COL11A2):c.622C>T (p.Leu208=)

Gene: COL11A2 (collagen type XI alpha 2 chain; minus strand). Cytogenetic location: 6p21.32.
Variant type: single nucleotide variant.
Coding change: c.622C>T on transcript NM_080680.3 (MANE Select); coding-DNA position 622, C replaced by T.
Protein change: p.Leu208=; no amino-acid change (leucine 208 retained).
Molecular consequence: synonymous variant.
Genome position (GRCh38, 1-based): chr6:33,186,803, G>A on the plus strand (C>T on the coding strand, the complement: COL11A2 is on the minus strand). VCF-style: chr6-33186803-G-A. GRCh37 (hg19) VCF-style: chr6-33154580-G-A.
Other names: c.622C>T, p.Leu208= (NM_001163771.2, NM_080679.3, NM_080681.3).
Identifiers: ClinVar variation 906471 (VCV000906471.25), dbSNP rs200272494, ClinGen allele CA3751607.
Genomic context (GRCh38, chr6:33,186,803, plus strand): 5'-ATTCCAGCTCCTTCTGTTCACATGATTCATAGGCTGCCTGGACCCCTGGGACAATGGCCA[G>A]CTCCTGGACATCACCCTGCAAAGACATGAGAGAGATGGAGCGGAGAGATTCAGAGAGAGG-3'
Protein context (NP_542411.2, residues 198-218): EEVFEGDVQE[Leu208=]AIVPGVQAAY

ClinVar aggregate classification (germline): Conflicting classifications of pathogenicity. Review status: criteria provided, conflicting classifications (1 of 4 stars). 12 submissions from 10 submitters: Uncertain significance (2); Benign (1); Likely benign (6). 3 of the submissions do not count toward it. Last evaluated 2026-09-01.

Conditions:
COL11A2-related disorder. Also called: COL11A2-related condition; COL11A2-related disorders.
Fibrochondrogenesis 2 (FBCG2). Identifiers: Orphanet 2021, MedGen C3281128, MONDO:0013795, OMIM 614524.
Otospondylomegaepiphyseal dysplasia, autosomal dominant (OSMEDA). Also called: COL11A2-Related Stickler Syndrome; Stickler syndrome, type 3; Pierre Robin syndrome with fetal chondrodysplasia. Identifiers: Orphanet 166100, Orphanet 3450, MedGen C1848488, MONDO:0008490, OMIM 184840.
Otospondylomegaepiphyseal dysplasia, autosomal recessive (OSMEDB). Also called: CHONDRODYSTROPHY WITH SENSORINEURAL DEAFNESS; Insley-Astley syndrome. Identifiers: Orphanet 1427, MedGen CN034493, MONDO:0044206, OMIM 215150.

Allele frequency attached by ClinVar (database versions not stated): gnomAD 0.00003 and 0.00004; TOPMed 0.00006; gnomAD exomes 0.00008 and 0.00012; ExAC 0.00012.
gnomAD v4.1: 126 of 1,614,050 alleles (0.0078%); highest among the groups gnomAD compares: Non-Finnish European, 0.01%; no homozygotes.

Submissions (12):

CeGaT Center for Human Genetics Tuebingen
Classification: Likely benign. Last evaluated: 2026-09-01. Review status: criteria provided, single submitter. Criteria: CeGaT Center For Human Genetics Tuebingen Variant Classification Criteria Version 2. Collection method: clinical testing. Allele origin: germline. Affected: yes. Observed: 2 variant alleles.
Comment: COL11A2: BP4, BP7

Women's Health and Genetics/Laboratory Corporation of America, LabCorp
Classification: Likely benign. Last evaluated: 2026-05-11. Review status: criteria provided, single submitter. Criteria: LabCorp Variant Classification Summary - May 2015. Collection method: clinical testing. Allele origin: germline.

Labcorp Genetics (formerly Invitae), Labcorp
Classification: Likely benign. Last evaluated: 2026-01-18. Review status: criteria provided, single submitter. Criteria: Invitae Variant Classification Sherloc (09022015). Collection method: clinical testing. Allele origin: germline.

PreventionGenetics, part of Exact Sciences
Classification: Likely benign for COL11A2-related condition. Last evaluated: 2024-10-24. Review status: criteria provided, single submitter. Criteria: ACMG Guidelines, 2015. Collection method: clinical testing. Allele origin: germline.
Comment: This variant is classified as likely benign based on ACMG/AMP sequence variant interpretation guidelines (Richards et al. 2015 PMID: 25741868, with internal and published modifications).

Blueprint Genetics
Classification: Likely benign. Last evaluated: 2024-04-30. Review status: criteria provided, single submitter. Criteria: ACMG Guidelines, 2015. Collection method: clinical testing. Allele origin: germline.

GeneDx
Classification: Likely benign. Last evaluated: 2020-11-23. Review status: criteria provided, single submitter. Criteria: GeneDx Variant Classification Process June 2021. Collection method: clinical testing. Allele origin: germline. Affected: yes.
Comment: In silico analysis, which includes splice predictors and evolutionary conservation, supports that this variant does not alter protein structure/function; Has not been previously published as pathogenic or benign to our knowledge

Illumina Laboratory Services, Illumina
Classification: Benign for Otospondylomegaepiphyseal dysplasia, autosomal recessive. Last evaluated: 2018-01-12. Review status: criteria provided, single submitter. Criteria: ICSL Variant Classification Criteria 13 December 2019. Collection method: clinical testing. Allele origin: germline.
Comment: This variant was observed in the ICSL laboratory as part of a predisposition screen in an ostensibly healthy population. It had not been previously curated by ICSL or reported in the Human Gene Mutation Database (HGMD: prior to June 1st, 2018), and was therefore a candidate for classification through an automated scoring system. Utilizing variant allele frequency, disease prevalence and penetrance estimates, and inheritance mode, an automated score was calculated to assess if this variant is too frequent to cause the disease. Based on the score and internal cut-off values, a variant classified as benign is not then subjected to further curation. The score for this variant resulted in a classification of benign for this disease.

Illumina Laboratory Services, Illumina
Classification: Uncertain significance for Fibrochondrogenesis 2. Last evaluated: 2018-01-12. Review status: criteria provided, single submitter. Criteria: ICSL Variant Classification Criteria 13 December 2019. Collection method: clinical testing. Allele origin: germline.

Illumina Laboratory Services, Illumina
Classification: Uncertain significance for Otospondylomegaepiphyseal dysplasia, autosomal dominant. Last evaluated: 2018-01-12. Review status: criteria provided, single submitter. Criteria: ICSL Variant Classification Criteria 13 December 2019. Collection method: clinical testing. Allele origin: germline.

Clinical Genetics DNA and cytogenetics Diagnostics Lab, Erasmus MC, Erasmus Medical Center
Classification: Likely benign. Review status: no assertion criteria provided. Collection method: clinical testing. Allele origin: germline. Affected: yes. Study: VKGL Data-share Consensus. Not counted in ClinVar's aggregate classification.

Genome Diagnostics Laboratory, Amsterdam University Medical Center
Classification: Likely benign. Review status: no assertion criteria provided. Collection method: clinical testing. Allele origin: germline. Affected: yes. Study: VKGL Data-share Consensus. Not counted in ClinVar's aggregate classification.

Joint Genome Diagnostic Labs from Nijmegen and Maastricht, Radboudumc and MUMC+
Classification: Likely benign. Review status: no assertion criteria provided. Collection method: clinical testing. Allele origin: germline. Affected: yes. Study: VKGL Data-share Consensus. Not counted in ClinVar's aggregate classification.